The following is an entry in ClinVar:

NM_000051.4(ATM):c.3994-12G>C

Gene: ATM (ATM serine/threonine kinase; plus strand). Cytogenetic location: 11q22.3.
Variant type: single nucleotide variant.
Coding change: c.3994-12G>C on transcript NM_000051.4 (MANE Select); 12 bases into the intron before coding-DNA position 3994, G replaced by C.
Molecular consequence: intron variant.
Genome position (GRCh38, 1-based): chr11:108,287,588, G>C. VCF-style: chr11-108287588-G-C. GRCh37 (hg19) VCF-style: chr11-108158315-G-C.
Other names: c.3994-12G>C (NM_001351834.2).
Identifiers: ClinVar variation 3254487 (VCV003254487.1), dbSNP rs1057520398.

ClinVar aggregate classification (germline): Likely benign (1 of 4 stars; one submission).

Conditions:
Familial cancer of breast. Also called: BREAST CANCER, FAMILIAL; Hereditary breast cancer; hereditary breast carcinoma. Identifiers: Orphanet 227535, MedGen C0346153, MONDO:0016419, OMIM 114480. Disease mechanism: loss of function.

Submission:

Myriad Genetics, Inc.
Classification: Likely benign for Familial cancer of breast. Last evaluated: 2024-05-16. Review status: criteria provided, single submitter. Criteria: Myriad Autosomal Dominant, Autosomal Recessive and X-Linked Classification Criteria (2023). Collection method: clinical testing. Allele origin: unknown.
Comment: This variant is considered likely benign. This variant is intronic and is not expected to impact mRNA splicing.